The following is an entry in ClinVar:

ClinVar aggregate classification (germline): Uncertain significance (1 of 4 stars; one submission).

Conditions:
Atrial standstill 1 (ATRST1). Also called: Atrial standstill, digenic (GJA5/SCN5A); ATRIAL CARDIOMYOPATHY WITH HEART BLOCK; CARDIOMYOPATHY, FAMILIAL, WITH CONDUCTION DISTURBANCE. Identifiers: Orphanet 1344, MedGen C4551959, MONDO:0007171, OMIM 108770.
Atrial fibrillation, familial, 11 (ATFB11). Identifiers: MedGen C3279693, MONDO:0013544, OMIM 614049.

Submission:

Labcorp Genetics (formerly Invitae), Labcorp
Classification: Uncertain significance for Atrial fibrillation, familial, 11; Atrial standstill 1. Last evaluated: 2023-05-15. Review status: criteria provided, single submitter. Criteria: Invitae Variant Classification Sherloc (09022015). Collection method: clinical testing. Allele origin: germline.
Comment: This sequence change replaces proline, which is neutral and non-polar, with leucine, which is neutral and non-polar, at codon 59 of the GJA5 protein (p.Pro59Leu). This variant is not present in population databases (gnomAD no frequency). This variant has not been reported in the literature in individuals affected with GJA5-related conditions. Advanced modeling of protein sequence and biophysical properties (such as structural, functional, and spatial information, amino acid conservation, physicochemical variation, residue mobility, and thermodynamic stability) performed at Invitae indicates that this missense variant is expected to disrupt GJA5 protein function. In summary, the available evidence is currently insufficient to determine the role of this variant in disease. Therefore, it has been classified as a Variant of Uncertain Significance.

NM_181703.4(GJA5):c.176C>T (p.Pro59Leu)

Gene: GJA5 (gap junction protein alpha 5; minus strand). Cytogenetic location: 1q21.2.
Variant type: single nucleotide variant.
Coding change: c.176C>T on transcript NM_181703.4 (MANE Select); coding-DNA position 176, C replaced by T.
Protein change: p.Pro59Leu; replaces proline 59 with leucine.
Molecular consequence: missense variant.
Genome position (GRCh38, 1-based): chr1:147,759,063, G>A on the plus strand (C>T on the coding strand, the complement: GJA5 is on the minus strand). VCF-style: chr1-147759063-G-A. GRCh37 (hg19) VCF-style: chr1-147231171-G-A.
Other names: c.176C>T, p.Pro59Leu (NM_005266.7); short protein forms P59L.
Identifiers: ClinVar variation 2947763 (VCV002947763.3), dbSNP rs2524612113, ClinGen allele CA342397956.